The following is an entry in ClinVar:

ClinVar aggregate classification (germline): Uncertain significance (1 of 4 stars; one submission).

gnomAD v4.1: 3 of 1,209,428 alleles (0.00025%); highest among the groups gnomAD compares: Non-Finnish European, 0.00031%; no homozygotes.

Submission:

Labcorp Genetics (formerly Invitae), Labcorp
Classification: Uncertain significance. Last evaluated: 2025-08-04. Review status: criteria provided, single submitter. Criteria: Invitae Variant Classification Sherloc (09022015). Collection method: clinical testing. Allele origin: germline.
Comment: This sequence change replaces alanine, which is neutral and non-polar, with valine, which is neutral and non-polar, at codon 23 of the CYC1 protein (p.Ala23Val). This variant is not present in population databases (gnomAD no frequency). This variant has not been reported in the literature in individuals affected with CYC1-related conditions. An algorithm developed to predict the effect of missense changes on protein structure and function (PolyPhen-2) suggests that this variant is likely to be disruptive. In summary, the available evidence is currently insufficient to determine the role of this variant in disease. Therefore, it has been classified as a Variant of Uncertain Significance.

NM_001916.5(CYC1):c.68C>T (p.Ala23Val)

Gene: CYC1 (cytochrome c1; plus strand). Cytogenetic location: 8q24.3.
Variant type: single nucleotide variant.
Coding change: c.68C>T on transcript NM_001916.5 (MANE Select); coding-DNA position 68, C replaced by T.
Protein change: p.Ala23Val; replaces alanine 23 with valine.
Molecular consequence: missense variant.
Genome position (GRCh38, 1-based): chr8:144,095,167, C>T. VCF-style: chr8-144095167-C-T. GRCh37 (hg19) VCF-style: chr8-145150070-C-T.
Other names: short protein forms A23V.
Identifiers: ClinVar variation 4766758 (VCV004766758.1).
Genomic context (GRCh38, chr8:144,095,167, plus strand): 5'-CAGCTGCGGCTTCGCTTCGCGGGGTAGTGTTGGGCCCGCGGGGCGCGGGGCTCCCGGGCG[C>T]GCGTGCCCGGGGTCTGCTGTGCAGCGCGCGTCCCGGGCAGCTCCCGCTACGGACACCTCA-3'
Protein context (NP_001907.3, residues 13-33): LGPRGAGLPG[Ala23Val]RARGLLCSAR